The following is an entry in ClinVar:

ClinVar aggregate classification (germline): Uncertain significance (1 of 4 stars; one submission).

Allele frequency attached by ClinVar (database versions not stated): gnomAD exomes below 0.00001 and 0.00001.
gnomAD v4.1: 10 of 1,611,612 alleles (0.00062%); highest among the groups gnomAD compares: Non-Finnish European, 0.00085%; no homozygotes.

Submission:

Labcorp Genetics (formerly Invitae), Labcorp
Classification: Uncertain significance. Last evaluated: 2020-10-08. Review status: criteria provided, single submitter. Criteria: Invitae Variant Classification Sherloc (09022015). Collection method: clinical testing. Allele origin: germline.
Comment: In summary, the available evidence is currently insufficient to determine the role of this variant in disease. Therefore, it has been classified as a Variant of Uncertain Significance. Algorithms developed to predict the effect of missense changes on protein structure and function are either unavailable or do not agree on the potential impact of this missense change (SIFT: "Deleterious"; PolyPhen-2: "Probably Damaging"; Align-GVGD: "Class C15"). This variant has not been reported in the literature in individuals with KIAA1549-related conditions. This variant is not present in population databases (ExAC no frequency). This sequence change replaces phenylalanine with leucine at codon 1140 of the KIAA1549 protein (p.Phe1140Leu). The phenylalanine residue is highly conserved and there is a small physicochemical difference between phenylalanine and leucine.

NM_001164665.2(KIAA1549):c.3418T>C (p.Phe1140Leu)

Gene: KIAA1549 (KIAA1549; minus strand). Cytogenetic location: 7q34.
Variant type: single nucleotide variant.
Coding change: c.3418T>C on transcript NM_001164665.2 (MANE Select); coding-DNA position 3418, T replaced by C.
Protein change: p.Phe1140Leu; replaces phenylalanine 1140 with leucine.
Molecular consequence: missense variant.
Genome position (GRCh38, 1-based): chr7:138,906,961, A>G on the plus strand (T>C on the coding strand, the complement: KIAA1549 is on the minus strand). VCF-style: chr7-138906961-A-G. GRCh37 (hg19) VCF-style: chr7-138591707-A-G.
Other names: c.3418T>C, p.Phe1140Leu (NM_020910.3); short protein forms F1140L.
Identifiers: ClinVar variation 1063384 (VCV001063384.9), dbSNP rs904897191, ClinGen allele CA167158962.